The following is an entry in ClinVar:

ClinVar aggregate classification (germline): Pathogenic. Review status: criteria provided, multiple submitters, no conflicts (2 of 4 stars). 33 submissions from 31 submitters: Pathogenic (29). 4 of the submissions do not count toward it. Last evaluated 2026-09-12.

Conditions:
Fanconi anemia complementation group N. Also called: PALB2-Related Fanconi Anemia. Identifiers: Orphanet 84, MedGen C1835817, MONDO:0012565, OMIM 610832. Disease mechanism: loss of function.
Pancreatic cancer, susceptibility to, 3. Identifiers: Orphanet 1333, MedGen C3150547, MONDO:0013236, OMIM 613348.
Breast-ovarian cancer, familial, susceptibility to, 5 (BROVCA5). Identifiers: MedGen C5830615, MONDO:0957530, OMIM 620442.
PALB2-related disorder. Also called: PALB2-related disorders; PALB2-related condition.
Inherited breast cancer and ovarian cancer.
Malignant tumor of pancreas. Also called: Cancer of the pancreas; Pancreatic cancer; Malignant pancreatic neoplasm. Identifiers: MedGen C0346647, MONDO:0009831.
Gastric cancer. Also called: Malignant tumor of stomach; Stomach cancer. Identifiers: MedGen C0024623, MeSH D013274, MONDO:0001056, OMIM 613659, HP:0012126.
Familial cancer of breast. Also called: Hereditary breast cancer; hereditary breast carcinoma; BREAST CANCER, FAMILIAL. Identifiers: Orphanet 227535, MedGen C0346153, MONDO:0016419, OMIM 114480. Disease mechanism: loss of function.
Hereditary cancer-predisposing syndrome. Also called: Neoplastic Syndromes, Hereditary; Tumor predisposition; Hereditary neoplastic syndrome; Hereditary Cancer Syndrome. Identifiers: Orphanet 140162, MedGen C0027672, MeSH D009386, MONDO:0015356.
Breast neoplasm. Also called: Neoplasm of the breast; Breast Neoplasms; Neoplasm of breast; Breast tumor. Identifiers: MedGen C1458155, MeSH D001943, MONDO:0021100, HP:0100013. Disease mechanism: gain of function.
Hereditary breast ovarian cancer syndrome. Also called: Breast and ovarian cancer; BRCA1- and BRCA2-Associated Hereditary Breast and Ovarian Cancer; Hereditary breast and/or ovarian cancer syndrome; Hereditary breast and ovarian cancer syndrome; Hereditary breast and ovarian cancer; Hereditary breast and ovarian cancer syndrome (HBOC). Identifiers: Orphanet 145, MedGen C0677776, MeSH D061325, MONDO:0003582. Disease mechanism: loss of function.

Allele frequency attached by ClinVar (database versions not stated): gnomAD 0.00002; gnomAD exomes 0.00002 and 0.00006; TOPMed 0.00003; ExAC 0.00007.

Submissions 1 to 9 of 33:

PreventionGenetics, part of Exact Sciences
Classification: Pathogenic for PALB2-related condition. Last evaluated: 2026-09-12. Review status: criteria provided, single submitter. Criteria: ACMG Guidelines, 2015. Collection method: clinical testing. Allele origin: germline.
Comment: The PALB2 c.2167_2168delAT variant is predicted to result in a frameshift and premature protein termination (p.Met723Valfs*21). This variant has been reported in multiple unrelated individuals with breast and/or ovarian cancer (Catucci et al. 2014. PubMed ID: 24556926; Supplementary Data, Antoniou et al. 2014. PubMed ID: 25099575; Supplementary eTable 4, Desmond et al. 2015. PubMed ID: 26270727; Catucci et al. 2016. PubMed ID: 27624329). This variant is reported in 0.035% of alleles in individuals of Latino descent in gnomAD and is interpreted as pathogenic in ClinVar (Variation ID: 136132﻿). Frameshift variants in PALB2 are expected to be pathogenic. This variant is interpreted as pathogenic.

Genetics Laboratory, Great Ormond Street Hospital NHS Foundation Trust, North Thames Genomic Laboratory Hub
Classification: Pathogenic for Inherited breast cancer and ovarian cancer. Last evaluated: 2026-06-10. Review status: criteria provided, single submitter. Criteria: CanVIG PALB2 Gene Specific V1.2. Collection method: clinical testing. Allele origin: germline. Affected: yes.
Comment: PVS1_very-strong, PM5_supporting, PP1_strong

Labcorp Genetics (formerly Invitae), Labcorp
Classification: Pathogenic for Familial cancer of breast. Last evaluated: 2026-01-31. Review status: criteria provided, single submitter. Criteria: Invitae Variant Classification Sherloc (09022015). Collection method: clinical testing. Allele origin: germline.
Comment: This sequence change creates a premature translational stop signal (p.Met723Valfs*21) in the PALB2 gene. It is expected to result in an absent or disrupted protein product. Loss-of-function variants in PALB2 are known to be pathogenic (PMID: 17200668, 17200671, 17200672, 24136930, 25099575). This variant is present in population databases (rs587776416, gnomAD 0.04%). This premature translational stop signal has been observed in individual(s) with breast and ovarian cancer (PMID: 24448499, 24556926, 25099575). ClinVar contains an entry for this variant (Variation ID: 136132). For these reasons, this variant has been classified as Pathogenic.

Dasa
Classification: Pathogenic for Breast-ovarian cancer, familial, susceptibility to, 5. Last evaluated: 2025-08-14. Review status: criteria provided, single submitter. Criteria: DASA Assertion Criteria. Collection method: clinical testing. Allele origin: germline.
Comment: NM_024675.4(PALB2):c.2167_2168del (p.Met723Valfs*21) is a frameshift variant in PALB2 predicted to alter the reading frame and introduce a premature termination codon and is predicted to result in an absent or altered protein product. Loss of function is an established disease mechanism for PALB2 (PMID: 17200668; PMID: 25099575; PMID: 31841383). The affected residue or protein region has prior evidence supporting clinical relevance. This variant has been recurrently observed in individuals with Breast-ovarian cancer, familial, susceptibility to, 5 (PMID: 25099575; PMID: 32339256). Also, this variant is rare in population databases. Based on the currently available evidence, this variant is classified as pathogenic.

Molecular Pathology, Peter Maccallum Cancer Centre
Classification: Pathogenic for Familial cancer of breast. Last evaluated: 2025-04-28. Review status: criteria provided, single submitter. Criteria: ACMG Guidelines, 2015. Collection method: clinical testing. Allele origin: germline. Inheritance: Autosomal dominant inheritance.

Quest Diagnostics Nichols Institute San Juan Capistrano
Classification: Pathogenic. Last evaluated: 2025-04-03. Review status: criteria provided, single submitter. Criteria: Quest Diagnostics criteria. Collection method: clinical testing. Allele origin: unknown.
Comment: The PALB2 c.2167_2168del (p.Met723Valfs*21) variant alters the translational reading frame of the PALB2 mRNA and causes the premature termination of PALB2 protein synthesis. This variant has been reported in the published literature in individuals with breast cancer (PMID: 38914840 (2023), 33471991 (2021), 32339256 (2020), 31844177 (2020), 31263054 (2019), 31206626 (2019), 30613976 (2019), 29752822 (2018), 28724667 (2017), 27624329 (2016), 26845104 (2016), 25099575 (2014), 24556926 (2014), see also LOVD), ovarian cancer (PMID: 30322717 (2018), 26315354 (2015), 24448499 (2014)), and pancreatic cancer (PMID: 35171259 (2022), 29945567 (2018)). The frequency of this variant in the general population (Genome Aggregation Database) is consistent with pathogenicity. Based on the available information, this variant is classified as pathogenic.

Center for Genomic Medicine, Rigshospitalet, Copenhagen University Hospital
Classification: Pathogenic. Last evaluated: 2025-03-04. Review status: criteria provided, single submitter. Criteria: ACMG Guidelines, 2015. Collection method: clinical testing. Allele origin: germline.

Ambry Genetics
Classification: Pathogenic for Hereditary cancer-predisposing syndrome. Last evaluated: 2025-01-22. Review status: criteria provided, single submitter. Criteria: Ambry Variant Classification Scheme 2023. Collection method: clinical testing. Allele origin: germline.
Comment: The c.2167_2168delAT pathogenic mutation, located in coding exon 5 of the PALB2 gene, results from a deletion of two nucleotides at positions 2167 and 2168, causing a translational frameshift with a predicted alternate stop codon (p.M723Vfs*21). This mutation has previously been reported in multiple individuals diagnosed with breast or ovarian cancer (Antoniou AC et al. N. Engl. J. Med. 2014 Aug;371:497-506; Catucci I et al. Genet. Med. 2014 Sep;16:688-94; Kanchi KL et al. Nat Commun. 2014;5:3156; Desmond A et al. JAMA Oncol. 2015 Oct;1:943-51; Sun J et al. Clin. Cancer Res. 2017 Oct 15:23:6113-6119). This mutation has been identified as a founder mutation in Italian, Hispanic and Nigerian populations (Catucci I et al. Cancer Res. Treat. 2016 Nov;160:121-129). In addition to the clinical data presented in the literature, this alteration is expected to result in loss of function by premature protein truncation or nonsense-mediated mRNA decay. As such, this alteration is interpreted as a disease-causing mutation.

3billion
Classification: Pathogenic for Breast-ovarian cancer, familial, susceptibility to, 5. Last evaluated: 2024-08-13. Review status: criteria provided, single submitter. Criteria: ACMG Guidelines, 2015. Collection method: clinical testing. Allele origin: germline. Affected: yes.
Comment: The variant is observed at an extremely low frequency in the gnomAD v4.0.0 dataset (total allele frequency: 0.002%). Predicted Consequence/Location: Frameshift: predicted to result in a loss or disruption of normal protein function through nonsense-mediated decay (NMD) or protein truncation. Multiple pathogenic variants are reported downstream of the variant. The variant has been reported at least twice as pathogenic with clinical assertions and evidence for the classification (ClinVar ID: VCV000136132 /PMID: 24556926). Therefore, this variant is classified as Pathogenic according to the recommendation of ACMG/AMP guideline.

NM_024675.4(PALB2):c.2167_2168del (p.Met723fs)

Gene: PALB2 (partner and localizer of BRCA2; minus strand). Cytogenetic location: 16p12.2.
Variant type: Deletion.
Coding change: c.2167_2168del on transcript NM_024675.4 (MANE Select); coding-DNA positions 2167 to 2168, 2 bases deleted (AT; older notation c.2167_2168delAT).
Protein change: p.Met723fs; shifts the reading frame from methionine 723.
Molecular consequence: frameshift variant.
Genome position (GRCh38, 1-based): chr16:23,629,986-23,629,987, AT deleted on the plus strand (AT on the coding strand, the reverse complement: PALB2 is on the minus strand). VCF-style (leftmost placement, unchanged base first): chr16-23629985-CAT-C. GRCh37 (hg19) VCF-style: chr16-23641306-CAT-C.
Other names: c.2167_2168delAT (NM_024675.3).
Identifiers: ClinVar variation 136132 (VCV000136132.78), dbSNP rs587776416, ClinGen allele CA164353.